The following is an entry in ClinVar:

ClinVar aggregate classification (germline): Uncertain significance (1 of 4 stars; one submission).

gnomAD v4.1: 15 of 1,613,944 alleles (0.00093%); highest among the groups gnomAD compares: Admixed American, 0.025%; no homozygotes.

Submission:

Labcorp Genetics (formerly Invitae), Labcorp
Classification: Uncertain significance. Last evaluated: 2023-12-22. Review status: criteria provided, single submitter. Criteria: Invitae Variant Classification Sherloc (09022015). Collection method: clinical testing. Allele origin: germline.
Comment: This sequence change replaces alanine, which is neutral and non-polar, with proline, which is neutral and non-polar, at codon 234 of the SEC24D protein (p.Ala234Pro). This variant is present in population databases (rs73842254, gnomAD 0.04%). This variant has not been reported in the literature in individuals affected with SEC24D-related conditions. ClinVar contains an entry for this variant (Variation ID: 1402783). Algorithms developed to predict the effect of missense changes on protein structure and function output the following: SIFT: "Not Available"; PolyPhen-2: "Benign"; Align-GVGD: "Not Available". The proline amino acid residue is found in multiple mammalian species, which suggests that this missense change does not adversely affect protein function. In summary, the available evidence is currently insufficient to determine the role of this variant in disease. Therefore, it has been classified as a Variant of Uncertain Significance.

NM_014822.4(SEC24D):c.700G>C (p.Ala234Pro)

Gene: SEC24D (SEC24 homolog D, COPII coat complex component; minus strand). Cytogenetic location: 4q26.
Variant type: single nucleotide variant.
Coding change: c.700G>C on transcript NM_014822.4 (MANE Select); coding-DNA position 700, G replaced by C.
Protein change: p.Ala234Pro; replaces alanine 234 with proline.
Molecular consequence: missense variant.
Genome position (GRCh38, 1-based): chr4:118,815,129, C>G on the plus strand (G>C on the coding strand, the complement: SEC24D is on the minus strand). VCF-style: chr4-118815129-C-G. GRCh37 (hg19) VCF-style: chr4-119736284-C-G.
Other names: c.703G>C, p.Ala235Pro (NM_001318066.2); short protein forms A235P, A234P.
Identifiers: ClinVar variation 1402783 (VCV001402783.7), dbSNP rs73842254, ClinGen allele CA3057469.
Genomic context (GRCh38, chr4:118,815,129, plus strand): 5'-GTGGCGGACCAGCCATCTGTGCAGGACCTCCAGGGAAGCCTCCTGGGTAAGACAGTTGTG[C>G]GCCTGCCATCTGGGGACCAGAGTTGGCTGCTTGGAAAAAATTTAAAGAGAAATGACTATC-3'
Protein context (NP_055637.2, residues 224-244): QANSGPQMAG[Ala234Pro]QLSYPGGFPG